The following is an entry in ClinVar:

ClinVar aggregate classification (germline): Uncertain significance. Review status: criteria provided, multiple submitters, no conflicts (2 of 4 stars). 2 submissions from 2 submitters: Uncertain significance (2). Last evaluated 2024-02-19.

Conditions:
Inborn genetic diseases. Identifiers: MedGen C0950123, MeSH D030342.

Allele frequency attached by ClinVar (database versions not stated): gnomAD exomes below 0.00001; ExAC 0.00001; gnomAD 0.00001; TOPMed 0.00001.
gnomAD v4.1: 7 of 1,613,734 alleles (0.00043%); highest among the groups gnomAD compares: African/African-American, 0.0013%; no homozygotes.

Submissions (2):

Labcorp Genetics (formerly Invitae), Labcorp
Classification: Uncertain significance. Last evaluated: 2024-02-19. Review status: criteria provided, single submitter. Criteria: Invitae Variant Classification Sherloc (09022015). Collection method: clinical testing. Allele origin: germline.
Comment: This sequence change replaces serine, which is neutral and polar, with proline, which is neutral and non-polar, at codon 1603 of the KMT2A protein (p.Ser1603Pro). This variant is present in population databases (rs139123379, gnomAD 0.0009%). This variant has not been reported in the literature in individuals affected with KMT2A-related conditions. ClinVar contains an entry for this variant (Variation ID: 1944019). Advanced modeling of protein sequence and biophysical properties (such as structural, functional, and spatial information, amino acid conservation, physicochemical variation, residue mobility, and thermodynamic stability) has been performed at Invitae for this missense variant, however the output from this modeling did not meet the statistical confidence thresholds required to predict the impact of this variant on KMT2A protein function. In summary, the available evidence is currently insufficient to determine the role of this variant in disease. Therefore, it has been classified as a Variant of Uncertain Significance.

Ambry Genetics
Classification: Uncertain significance for Inborn genetic diseases. Last evaluated: 2021-12-13. Review status: criteria provided, single submitter. Criteria: Ambry Variant Classification Scheme 2023. Collection method: clinical testing. Allele origin: germline.

NM_001197104.2(KMT2A):c.4807T>C (p.Ser1603Pro)

Gene: KMT2A (lysine methyltransferase 2A; plus strand). Cytogenetic location: 11q23.3.
Variant type: single nucleotide variant.
Coding change: c.4807T>C on transcript NM_001197104.2 (MANE Select); coding-DNA position 4807, T replaced by C.
Protein change: p.Ser1603Pro; replaces serine 1603 with proline.
Molecular consequence: missense variant.
Genome position (GRCh38, 1-based): chr11:118,491,306, T>C. VCF-style: chr11-118491306-T-C. GRCh37 (hg19) VCF-style: chr11-118362021-T-C.
Other names: c.4906T>C, p.Ser1636Pro (NM_001412597.1); c.4807T>C, p.Ser1603Pro (NM_005933.4); short protein forms S1636P, S1603P.
Identifiers: ClinVar variation 1944019 (VCV001944019.6), dbSNP rs139123379, ClinGen allele CA6303943.